The following is an entry in ClinVar:

NM_006767.4(LZTR1):c.2389G>A (p.Val797Met)

Gene: LZTR1 (leucine zipper like post translational regulator 1; plus strand). Cytogenetic location: 22q11.21.
Variant type: single nucleotide variant.
Coding change: c.2389G>A on transcript NM_006767.4 (MANE Select); coding-DNA position 2389, G replaced by A.
Protein change: p.Val797Met; replaces valine 797 with methionine.
Molecular consequence: missense variant.
Genome position (GRCh38, 1-based): chr22:20,996,949, G>A. VCF-style: chr22-20996949-G-A. GRCh37 (hg19) VCF-style: chr22-21351238-G-A.
Other names: short protein forms V797M.
Identifiers: ClinVar variation 1790526 (VCV001790526.4), dbSNP rs1924879202, ClinGen allele CA410781185.

ClinVar aggregate classification (germline): Uncertain significance. Review status: criteria provided, multiple submitters, no conflicts (2 of 4 stars). 2 submissions from 2 submitters: Uncertain significance (2). Last evaluated 2024-08-27.

Conditions:
Hereditary cancer-predisposing syndrome. Also called: Hereditary Cancer Syndrome; Hereditary neoplastic syndrome; Tumor predisposition; Neoplastic Syndromes, Hereditary. Identifiers: Orphanet 140162, MedGen C0027672, MeSH D009386, MONDO:0015356.
Cardiovascular phenotype. Identifiers: MedGen CN230736.

Allele frequency attached by ClinVar (database versions not stated): gnomAD exomes below 0.00001; gnomAD 0.00001.
gnomAD v4.1: 2 of 1,613,624 alleles (0.00012%); highest among the groups gnomAD compares: South Asian, 0.0022%; no homozygotes.

Submissions (2):

Labcorp Genetics (formerly Invitae), Labcorp
Classification: Uncertain significance. Last evaluated: 2024-08-27. Review status: criteria provided, single submitter. Criteria: Invitae Variant Classification Sherloc (09022015). Collection method: clinical testing. Allele origin: germline.
Comment: This sequence change replaces valine, which is neutral and non-polar, with methionine, which is neutral and non-polar, at codon 797 of the LZTR1 protein (p.Val797Met). This variant is not present in population databases (gnomAD no frequency). This variant has not been reported in the literature in individuals affected with LZTR1-related conditions. ClinVar contains an entry for this variant (Variation ID: 1790526). Invitae Evidence Modeling of protein sequence and biophysical properties (such as structural, functional, and spatial information, amino acid conservation, physicochemical variation, residue mobility, and thermodynamic stability) indicates that this missense variant is not expected to disrupt LZTR1 protein function with a negative predictive value of 80%. In summary, the available evidence is currently insufficient to determine the role of this variant in disease. Therefore, it has been classified as a Variant of Uncertain Significance.

Ambry Genetics
Classification: Uncertain significance for Cardiovascular phenotype; Hereditary cancer-predisposing syndrome. Last evaluated: 2022-01-27. Review status: criteria provided, single submitter. Criteria: Ambry Variant Classification Scheme 2023. Collection method: clinical testing. Allele origin: germline.
Comment: The p.V797M variant (also known as c.2389G>A), located in coding exon 20 of the LZTR1 gene, results from a G to A substitution at nucleotide position 2389. The valine at codon 797 is replaced by methionine, an amino acid with highly similar properties. This amino acid position is conserved. In addition, this alteration is predicted to be deleterious by in silico analysis. Since supporting evidence is limited at this time, the clinical significance of this alteration remains unclear.